The following is an entry in ClinVar:

ClinVar aggregate classification (germline): Likely benign. Review status: criteria provided, multiple submitters, no conflicts (2 of 4 stars). 5 submissions from 5 submitters: Likely benign (4). 1 of the submissions does not count toward it. Last evaluated 2026-07-01.

Conditions:
Neuronal ceroid lipofuscinosis. Also called: Neuronal Ceroid Lipofuscinoses. Identifiers: Orphanet 216, Orphanet 79263, MedGen C0027877, MONDO:0016295. Disease mechanism: loss of function.
CLN8-related disorder. Also called: CLN8-related condition.

Allele frequency attached by ClinVar (database versions not stated): gnomAD below 0.00001 and 0.00004; TOPMed below 0.00001; gnomAD exomes 0.00019; 1000 Genomes Project 0.00020; ExAC 0.00026; 1000 Genomes Project 30x 0.00031.
gnomAD v4.1: 144 of 1,614,186 alleles (0.0089%); highest among the groups gnomAD compares: South Asian, 0.15%; 2 homozygotes.

Submissions (5):

CeGaT Center for Human Genetics Tuebingen
Classification: Likely benign. Last evaluated: 2026-07-01. Review status: criteria provided, single submitter. Criteria: CeGaT Center For Human Genetics Tuebingen Variant Classification Criteria Version 2. Collection method: clinical testing. Allele origin: germline. Affected: yes. Observed: 1 variant allele.
Comment: CLN8: BP4, BP7

Labcorp Genetics (formerly Invitae), Labcorp
Classification: Likely benign for Neuronal ceroid lipofuscinosis. Last evaluated: 2025-05-10. Review status: criteria provided, single submitter. Criteria: Invitae Variant Classification Sherloc (09022015). Collection method: clinical testing. Allele origin: germline.

Blueprint Genetics
Classification: Likely benign. Last evaluated: 2024-07-31. Review status: criteria provided, single submitter. Criteria: ACMG Guidelines, 2015. Collection method: clinical testing. Allele origin: germline.

GeneDx
Classification: Likely benign. Last evaluated: 2020-01-23. Review status: criteria provided, single submitter. Criteria: GeneDx Variant Classification Process June 2021. Collection method: clinical testing. Allele origin: germline. Affected: yes.

PreventionGenetics, part of Exact Sciences
Classification: Likely benign for CLN8-related condition. Last evaluated: 2019-03-25. Review status: no assertion criteria provided. Collection method: clinical testing. Allele origin: germline. Not counted in ClinVar's aggregate classification.
Comment: This variant is classified as likely benign based on ACMG/AMP sequence variant interpretation guidelines (Richards et al. 2015 PMID: 25741868, with internal and published modifications).

NM_018941.4(CLN8):c.363C>A (p.Val121=)

Gene: CLN8 (CLN8 transmembrane ER and ERGIC protein; plus strand). Cytogenetic location: 8p23.3.
Variant type: single nucleotide variant.
Coding change: c.363C>A on transcript NM_018941.4 (MANE Select); coding-DNA position 363, C replaced by A.
Protein change: p.Val121=; no amino-acid change (valine 121 retained).
Molecular consequence: synonymous variant.
Genome position (GRCh38, 1-based): chr8:1,771,417, C>A. VCF-style: chr8-1771417-C-A. GRCh37 (hg19) VCF-style: chr8-1719583-C-A.
Identifiers: ClinVar variation 698898 (VCV000698898.16), dbSNP rs568852954, ClinGen allele CA4599254.